The following is an entry in ClinVar:

ClinVar aggregate classification (germline): Uncertain significance (1 of 4 stars; one submission).

Conditions:
Cardiovascular phenotype. Identifiers: MedGen CN230736.

Allele frequency attached by ClinVar (database versions not stated): gnomAD 0.00001; TOPMed 0.00001.
gnomAD v4.1: 39 of 1,614,006 alleles (0.0024%); highest among the groups gnomAD compares: Non-Finnish European, 0.0032%; no homozygotes.

Submission:

Ambry Genetics
Classification: Uncertain significance for Cardiovascular phenotype. Last evaluated: 2023-10-12. Review status: criteria provided, single submitter. Criteria: Ambry Variant Classification Scheme 2023. Collection method: clinical testing. Allele origin: germline.
Comment: The p.T200M variant (also known as c.599C>T), located in coding exon 6 of the CACNB2 gene, results from a C to T substitution at nucleotide position 599. The threonine at codon 200 is replaced by methionine, an amino acid with similar properties. This amino acid position is conserved. In addition, this alteration is predicted to be tolerated by in silico analysis. Since supporting evidence is limited at this time, the clinical significance of this alteration remains unclear.

NM_201596.3(CACNB2):c.761C>T (p.Thr254Met)

Gene: CACNB2 (calcium voltage-gated channel auxiliary subunit beta 2; plus strand). Cytogenetic location: 10p12.31.
Variant type: single nucleotide variant.
Coding change: c.761C>T on transcript NM_201596.3 (MANE Select); coding-DNA position 761, C replaced by T.
Protein change: p.Thr254Met; replaces threonine 254 with methionine.
Molecular consequence: missense variant. On other transcripts: intron variant (6).
Genome position (GRCh38, 1-based): chr10:18,514,326, C>T. VCF-style: chr10-18514326-C-T. GRCh37 (hg19) VCF-style: chr10-18803255-C-T.
Other names: c.596C>T, p.Thr199Met (NM_000724.4); c.617C>T, p.Thr206Met (NM_201570.3); c.677C>T, p.Thr226Met (NM_201571.4); c.599C>T, p.Thr200Met (NM_201590.3); c.587-185C>T (NM_001167945.2); c.587-654C>T (NM_201572.4); c.671-185C>T (NM_201593.3); c.671-654C>T (NM_201597.3); and 2 more; short protein forms T199M, T200M, T206M, T226M, T254M.
Identifiers: ClinVar variation 3230207 (VCV003230207.1), dbSNP rs1282703087, ClinGen allele CA376060698.